The following is an entry in ClinVar:

ClinVar aggregate classification (germline): Likely pathogenic. Review status: criteria provided, multiple submitters, no conflicts (2 of 4 stars). 3 submissions from 3 submitters: Likely pathogenic (3). Last evaluated 2024-05-29.

Conditions:
MVK-related disorder. Also called: MVK-related condition; MVK-related disorders. Identifiers: MedGen CN239294.
Porokeratosis 3, disseminated superficial actinic type (POROK3). Also called: POROKERATOSIS 3, MULTIPLE TYPES; POROKERATOSIS 3, MIBELLI TYPE; POROKERATOSIS, DISSEMINATED SUPERFICIAL ACTINIC, 1. Identifiers: MedGen C1867981, MONDO:0008293, OMIM 175900.
Hyperimmunoglobulin D with periodic fever (HIDS). Also called: Hyperimmunoglobulinemia D; HYPERIMMUNOGLOBULINEMIA D AND PERIODIC FEVER SYNDROME; Hyperimmunoglobulinemia D with periodic fever. Identifiers: Orphanet 343, MedGen C0398691, MONDO:0009849, OMIM 260920.
Mevalonic aciduria (MEVA). Identifiers: Orphanet 29, MedGen C1959626, MONDO:0012481, OMIM 610377.

Allele frequency attached by ClinVar (database versions not stated): gnomAD exomes 0.00001.

Submissions (3):

Fulgent Genetics
Classification: Likely pathogenic for Porokeratosis 3, disseminated superficial actinic type; Hyperimmunoglobulin D with periodic fever; Mevalonic aciduria. Last evaluated: 2024-05-29. Review status: criteria provided, single submitter. Criteria: ACMG Guidelines, 2015. Collection method: clinical testing. Allele origin: germline.

Blueprint Genetics
Classification: Likely pathogenic for MVK-related disorders. Last evaluated: 2024-02-12. Review status: criteria provided, single submitter. Criteria: ACMG Guidelines, 2015. Collection method: clinical testing. Allele origin: germline. Affected: yes. Observed: 2 variant alleles.

Labcorp Genetics (formerly Invitae), Labcorp
Classification: Likely pathogenic for Mevalonic aciduria; Hyperimmunoglobulin D with periodic fever; Porokeratosis 3, disseminated superficial actinic type. Last evaluated: 2019-09-03. Review status: criteria provided, single submitter. Criteria: Invitae Variant Classification Sherloc (09022015). Collection method: clinical testing. Allele origin: germline.
Comment: In summary, the currently available evidence indicates that the variant is pathogenic, but additional data are needed to prove that conclusively. Therefore, this variant has been classified as Likely Pathogenic. Donor and acceptor splice site variants typically lead to a loss of protein function (PMID: 16199547), and loss-of-function variants in MVK are known to be pathogenic (PMID: 16835861, 17105862, 23834120). Algorithms developed to predict the effect of sequence changes on RNA splicing suggest that this variant may disrupt the consensus splice site, but this prediction has not been confirmed by published transcriptional studies. This variant has not been reported in the literature in individuals with MVK-related conditions. This variant is not present in population databases (ExAC no frequency). This sequence change affects a donor splice site in intron 2 of the MVK gene. It is expected to disrupt RNA splicing and likely results in an absent or disrupted protein product.

Literature cited by the submitters: PubMed 16199547 (cited by Labcorp Genetics (formerly Invitae), Labcorp); PubMed 16835861 (cited by Labcorp Genetics (formerly Invitae), Labcorp); PubMed 17105862 (cited by Labcorp Genetics (formerly Invitae), Labcorp); PubMed 23834120 (cited by Labcorp Genetics (formerly Invitae), Labcorp).

NM_000431.4(MVK):c.78+1G>A

Gene: MVK (mevalonate kinase; plus strand). Cytogenetic location: 12q24.11.
Variant type: single nucleotide variant.
Coding change: c.78+1G>A on transcript NM_000431.4 (MANE Select); the canonical splice donor site of the intron after coding-DNA position 78, G replaced by A.
Molecular consequence: splice donor variant. On other transcripts: intron variant (1).
Genome position (GRCh38, 1-based): chr12:109,574,901, G>A. VCF-style: chr12-109574901-G-A. GRCh37 (hg19) VCF-style: chr12-110012706-G-A.
Other names: c.78+1G>A (NM_001414511.1, NM_001414512.1, NM_001414513.1 and 3 more transcripts); c.-505+1028G>A (NM_001414515.1).
Identifiers: ClinVar variation 960301 (VCV000960301.10), dbSNP rs1884864809, ClinGen allele CA386643024.
Genomic context (GRCh38, chr12:109,574,901, plus strand): 5'-CTGGTGTCTGCTCCGGGGAAAGTCATCCTTCATGGAGAACATGCCGTGGTACATGGCAAG[G>A]TACAAAGCCGTTAGAGCCTTTAAGGATTGGGTACCCCTTCTCCCTGATGCTAATTTTGTA-3'